The following is an entry in ClinVar:

ClinVar aggregate classification (germline): Likely pathogenic (1 of 4 stars; one submission).

Conditions:
Renal cysts and diabetes syndrome (RCAD). Also called: Familial hypoplastic, glomerulocystic kidney; MATURITY-ONSET DIABETES OF THE YOUNG, TYPE 5. Identifiers: Orphanet 93111, MedGen C0431693, MONDO:0007669, OMIM 137920.

Allele frequency attached by ClinVar (database versions not stated): gnomAD exomes below 0.00001.
gnomAD v4.1: 1 of 1,611,700 alleles (0.000062%); highest among the groups gnomAD compares: Non-Finnish European, 0.000085%; no homozygotes.

Submission:

Institute of Human Genetics, FAU Erlangen, Friedrich-Alexander-Universität Erlangen-Nürnberg
Classification: Likely pathogenic for Renal cysts and diabetes syndrome. Last evaluated: 2019-07-06. Review status: criteria provided, single submitter. Criteria: ACMG Guidelines, 2015. Collection method: literature only. Allele origin: germline. Affected: yes.
Comment: This variant and it's classification has been reported by Vasileiou et al. 2019; DOI:10.1101/576918. The variants has previously been reported in PMID:28420700 as "c.1538A>G,p.Tyr513Cys" with clinical significance Pathogenic. It has been re-classified using InterVar and manual curation as Likely pathogenic based on PM1 PM2 PP3 PP5.

Literature cited by the submitters: PubMed 28420700; DOI 10.1101/576918.

NM_000458.4(HNF1B):c.1538A>G (p.Tyr513Cys)

Gene: HNF1B (HNF1 homeobox B; minus strand). Cytogenetic location: 17q12.
Variant type: single nucleotide variant.
Coding change: c.1538A>G on transcript NM_000458.4 (MANE Select); coding-DNA position 1538, A replaced by G.
Protein change: p.Tyr513Cys; replaces tyrosine 513 with cysteine.
Molecular consequence: missense variant. On other transcripts: intron variant (1).
Genome position (GRCh38, 1-based): chr17:37,699,191, T>C on the plus strand (A>G on the coding strand, the complement: HNF1B is on the minus strand). VCF-style: chr17-37699191-T-C. GRCh37 (hg19) VCF-style: chr17-36059197-T-C.
Other names: c.1460A>G, p.Tyr487Cys (NM_001165923.4); c.1261+5726A>G (NM_001304286.2); short protein forms Y513C, Y487C.
Identifiers: ClinVar variation 635579 (VCV000635579.1), dbSNP rs2511696300, ClinGen allele CA398754087.